The following is an entry in ClinVar:

ClinVar aggregate classification (germline): Uncertain significance (1 of 4 stars; one submission).

Allele frequency attached by ClinVar (database versions not stated): gnomAD exomes below 0.00001.
gnomAD v4.1: 5 of 1,475,084 alleles (0.00034%); highest among the groups gnomAD compares: Non-Finnish European, 0.00037%; no homozygotes.

Submission:

Labcorp Genetics (formerly Invitae), Labcorp
Classification: Uncertain significance. Last evaluated: 2023-07-12. Review status: criteria provided, single submitter. Criteria: Invitae Variant Classification Sherloc (09022015). Collection method: clinical testing. Allele origin: germline.
Comment: In summary, the available evidence is currently insufficient to determine the role of this variant in disease. Therefore, it has been classified as a Variant of Uncertain Significance. An algorithm developed to predict the effect of missense changes on protein structure and function (PolyPhen-2) suggests that this variant is likely to be tolerated. This variant has not been reported in the literature in individuals affected with NAF1-related conditions. The frequency data for this variant in the population databases is considered unreliable, as metrics indicate poor data quality at this position in the gnomAD database. This sequence change replaces proline, which is neutral and non-polar, with leucine, which is neutral and non-polar, at codon 471 of the NAF1 protein (p.Pro471Leu).

NM_138386.3(NAF1):c.1412C>T (p.Pro471Leu)

Gene: NAF1 (nuclear assembly factor 1 ribonucleoprotein; minus strand). Cytogenetic location: 4q32.2.
Variant type: single nucleotide variant.
Coding change: c.1412C>T on transcript NM_138386.3 (MANE Select); coding-DNA position 1412, C replaced by T.
Protein change: p.Pro471Leu; replaces proline 471 with leucine.
Molecular consequence: missense variant. On other transcripts: intron variant (1).
Genome position (GRCh38, 1-based): chr4:163,128,970, G>A on the plus strand (C>T on the coding strand, the complement: NAF1 is on the minus strand). VCF-style: chr4-163128970-G-A. GRCh37 (hg19) VCF-style: chr4-164050122-G-A.
Other names: c.1034-1855C>T (NM_001128931.2); short protein forms P471L.
Identifiers: ClinVar variation 2793191 (VCV002793191.3), dbSNP rs1393682316, ClinGen allele CA358662666.